The following is an entry in ClinVar:

ClinVar aggregate classification (germline): Pathogenic (1 of 4 stars; one submission).

Conditions:
Epidermodysplasia verruciformis. Identifiers: Orphanet 302, MedGen C0014522, MONDO:0009176.

Submission:

Labcorp Genetics (formerly Invitae), Labcorp
Classification: Pathogenic for Epidermodysplasia verruciformis. Last evaluated: 2017-10-23. Review status: criteria provided, single submitter. Criteria: Invitae Variant Classification Sherloc (09022015). Collection method: clinical testing. Allele origin: germline.
Comment: This sequence change creates a premature translational stop signal (p.Thr444Aspfs*57) in the TMC6 gene. It is expected to result in an absent or disrupted protein product. This variant is not present in population databases (ExAC no frequency). This variant has not been reported in the literature in individuals with TMC6-related disease. Loss-of-function variants in TMC6 are known to be pathogenic (PMID: 15042430, 17139267). For these reasons, this variant has been classified as Pathogenic.

Literature cited by the submitters: PubMed 15042430; PubMed 17139267.

NM_001127198.5(TMC6):c.1325dup (p.Thr444fs)

Gene: TMC6 (transmembrane channel like 6; minus strand). Cytogenetic location: 17q25.3.
Variant type: Duplication.
Coding change: c.1325dup on transcript NM_001127198.5 (MANE Select); coding-DNA position 1325, one base duplicated (T; older notation c.1325dupT).
Protein change: p.Thr444fs; shifts the reading frame from threonine 444.
Molecular consequence: frameshift variant. On other transcripts: non-coding transcript variant (4).
Genome position (GRCh38, 1-based): chr17:78,121,614, A duplicated on the plus strand (T on the coding strand, the reverse complement: TMC6 is on the minus strand). VCF-style (leftmost placement, unchanged base first): chr17-78121613-C-CA. GRCh37 (hg19) VCF-style: chr17-76117694-C-CA.
Other names: c.1325dupT (NM_007267.7); c.1325dup, p.Thr444fs (NM_001321185.1, NM_001374593.1, NM_001374594.1 and 4 more transcripts); short protein forms T444fs.
Identifiers: ClinVar variation 526234 (VCV000526234.8), dbSNP rs1555655146, ClinGen allele CA658798974.
Genomic context (GRCh38, chr17:78,121,613, plus strand): 5'-CACCTGGATCATGAACTCCGAGAAGACGTGGACGGCCACGGCGCAGCCCAGCGCGGTCCC[C>CA]AGACACAGCAGCCACACAAGCCCCAGCACAGCCGCCTGCCGCAGCCTCCCGCACACGCTC-3'